The following is an entry in ClinVar:

ClinVar aggregate classification (germline): Uncertain significance. Review status: criteria provided, multiple submitters, no conflicts (2 of 4 stars). 2 submissions from 2 submitters: Uncertain significance (2). Last evaluated 2024-09-11.

gnomAD v4.1: 14 of 1,613,650 alleles (0.00087%); highest among the groups gnomAD compares: East Asian, 0.0067%; no homozygotes.

Submissions (2):

Ambry Genetics
Classification: Uncertain significance. Last evaluated: 2024-09-11. Review status: criteria provided, single submitter. Criteria: Ambry Variant Classification Scheme 2023. Collection method: clinical testing. Allele origin: germline.
Comment: The p.R297Q variant (also known as c.890G>A), located in coding exon 6 of the CTNNA3 gene, results from a G to A substitution at nucleotide position 890. The arginine at codon 297 is replaced by glutamine, an amino acid with highly similar properties. This amino acid position is conserved. In addition, the in silico prediction for this alteration is inconclusive. Since supporting evidence is limited at this time, the clinical significance of this alteration remains unclear.

Blueprint Genetics
Classification: Uncertain significance. Last evaluated: 2019-02-11. Review status: criteria provided, single submitter. Criteria: ACMG Guidelines, 2015. Collection method: clinical testing. Allele origin: germline.

NM_013266.4(CTNNA3):c.890G>A (p.Arg297Gln)

Gene: CTNNA3 (catenin alpha 3; minus strand). Cytogenetic location: 10q21.3.
Variant type: single nucleotide variant.
Coding change: c.890G>A on transcript NM_013266.4 (MANE Select); coding-DNA position 890, G replaced by A.
Protein change: p.Arg297Gln; replaces arginine 297 with glutamine.
Molecular consequence: missense variant.
Genome position (GRCh38, 1-based): chr10:67,180,474, C>T on the plus strand (G>A on the coding strand, the complement: CTNNA3 is on the minus strand). VCF-style: chr10-67180474-C-T. GRCh37 (hg19) VCF-style: chr10-68940232-C-T.
Other names: c.890G>A, p.Arg297Gln (NM_001127384.3); c.926G>A, p.Arg309Gln (NM_001291133.2); short protein forms R297Q, R309Q.
Identifiers: ClinVar variation 1765079 (VCV001765079.4), dbSNP rs201596778, ClinGen allele CA5520457.